The following is an entry in ClinVar:

NM_000551.4(VHL):c.581T>G (p.Val194Gly)

Genes: VHL (von Hippel-Lindau tumor suppressor; plus strand), LOC107303340 (3p25 von Hippel-Lindau tumor suppressor, E3 ubiquitin protein ligase Alu-mediated recombination region; plus strand). Cytogenetic location: 3p25.3.
Variant type: single nucleotide variant.
Coding change: c.581T>G on transcript NM_000551.4 (MANE Select); coding-DNA position 581, T replaced by G.
Protein change: p.Val194Gly; replaces valine 194 with glycine.
Molecular consequence: missense variant. On other transcripts: 3 prime UTR variant (1).
Genome position (GRCh38, 1-based): chr3:10,149,904, T>G. VCF-style: chr3-10149904-T-G. GRCh37 (hg19) VCF-style: chr3-10191588-T-G.
Other names: c.*135T>G (NM_001354723.2); c.458T>G, p.Val153Gly (NM_198156.3); short protein forms V194G, V153G.
Identifiers: ClinVar variation 428810 (VCV000428810.16), dbSNP rs1131690963, ClinGen allele CA351756475.
Genomic context (GRCh38, chr3:10,149,904, plus strand): 5'-ATTACAGGAGACTGGACATCGTCAGGTCGCTCTACGAAGATCTGGAAGACCACCCAAATG[T>G]GCAGAAAGACCTGGAGCGGCTGACACAGGAGCGCATTGCACATCAACGGATGGGAGATTG-3'
Protein context (NP_000542.1, residues 184-204): LYEDLEDHPN[Val194Gly]QKDLERLTQE

ClinVar aggregate classification (germline): Conflicting classifications of pathogenicity. Review status: criteria provided, conflicting classifications (1 of 4 stars). 4 submissions from 4 submitters: Pathogenic (1); Likely pathogenic (2); Uncertain significance (1). Last evaluated 2025-04-12.

Conditions:
Von Hippel-Lindau syndrome (VHLS). Also called: von Hippel–Lindau syndrome; Von Hippel-Lindau; VHL syndrome. Identifiers: Orphanet 892, MedGen C0019562, MONDO:0008667, OMIM 193300. Disease mechanism: loss of function.
Chuvash polycythemia. Also called: POLYCYTHEMIA, VHL-DEPENDENT. Identifiers: Orphanet 238557, MedGen C1837915, MONDO:0009892, OMIM 263400.
Hereditary cancer-predisposing syndrome. Also called: Hereditary neoplastic syndrome; Tumor predisposition; Neoplastic Syndromes, Hereditary; Hereditary Cancer Syndrome. Identifiers: Orphanet 140162, MedGen C0027672, MeSH D009386, MONDO:0015356.
Pheochromocytoma. Also called: MAX-Related Hereditary Paraganglioma-Pheochromocytoma Syndrome. Identifiers: Orphanet 29072, MedGen C0031511, MONDO:0008233, OMIM 171300, HP:0002666.
Nonpapillary renal cell carcinoma. Identifiers: Orphanet 422526, MedGen CN074294, MONDO:0007763, OMIM 144700.

Submissions (4):

Ambry Genetics
Classification: Likely pathogenic for Hereditary cancer-predisposing syndrome. Last evaluated: 2025-04-12. Review status: criteria provided, single submitter. Criteria: Ambry Variant Classification Scheme 2023. Collection method: clinical testing. Allele origin: germline.
Comment: The p.V194G variant (also known as c.581T>G), located in coding exon 3 of the VHL gene, results from a T to G substitution at nucleotide position 581. The valine at codon 194 is replaced by glycine, an amino acid with dissimilar properties. This variant was identified in one or more individuals with features consistent with on Hippel-Lindau syndrome (Kawashima S et al. Endocr Pract. 2014 Jun;20(6):e96-e101; Ambry internal data) and segregated with disease in at least one family (Ambry internal data). This variant is considered to be rare based on population cohorts in the Genome Aggregation Database (gnomAD). This amino acid position is well conserved in available vertebrate species. In addition, this alteration is predicted to be deleterious by in silico analysis. Based on the majority of available evidence to date, this variant is likely to be pathogenic.

Department of Pathology and Laboratory Medicine, Sinai Health System
Classification: Uncertain significance for Nonpapillary renal cell carcinoma; Pheochromocytoma; Von Hippel-Lindau syndrome; Chuvash polycythemia. Last evaluated: 2025-01-29. Review status: criteria provided, single submitter. Criteria: ACMG Guidelines, 2015. Collection method: clinical testing. Allele origin: germline.

Women's Health and Genetics/Laboratory Corporation of America, LabCorp
Classification: Likely pathogenic for Von Hippel-Lindau syndrome. Last evaluated: 2024-11-22. Review status: criteria provided, single submitter. Criteria: LabCorp Variant Classification Summary - May 2015. Collection method: clinical testing. Allele origin: germline.
Comment: Variant summary: VHL c.581T>G (p.Val194Gly) results in a non-conservative amino acid change located in the von Hippel-Landau (pVHL) tumor suppressor protein domain (IPR022772) of the encoded protein sequence. Five of five in-silico tools predict a damaging effect of the variant on protein function. The variant was absent in 251414 control chromosomes. c.581T>G has been reported in the literature in individuals affected with Von Hippel-Lindau Syndrome and was shown to segregate with disease in at-least one family evaluated at our partner laboratory (example, Kawashima_2014 and internal data). At-least one family reported in the literature describes the variant as inherited from an unaffected father although the loss of heterozygosity was demonstrated in tumors of the affected proband (Kawashima_2014). These data indicate that the variant is likely to be associated with disease. To our knowledge, no experimental evidence demonstrating an impact on protein function has been reported. The following publications has been ascertained in the context of this evaluation (PMID: 24518179). ClinVar contains an entry for this variant (Variation ID: 428810). Based on the evidence outlined above, the variant was classified as likely pathogenic.

Labcorp Genetics (formerly Invitae), Labcorp
Classification: Pathogenic for Von Hippel-Lindau syndrome; Chuvash polycythemia. Last evaluated: 2023-05-30. Review status: criteria provided, single submitter. Criteria: Invitae Variant Classification Sherloc (09022015). Collection method: clinical testing. Allele origin: germline.
Comment: For these reasons, this variant has been classified as Pathogenic. Advanced modeling of protein sequence and biophysical properties (such as structural, functional, and spatial information, amino acid conservation, physicochemical variation, residue mobility, and thermodynamic stability) performed at Invitae indicates that this missense variant is expected to disrupt VHL protein function. This missense change has been observed in individuals with clinical features of von Hippel-Lindau syndrome (PMID: 24518179; Invitae). It has also been observed to segregate with disease in related individuals. This variant is not present in population databases (gnomAD no frequency). ClinVar contains an entry for this variant (Variation ID: 428810). This sequence change replaces valine, which is neutral and non-polar, with glycine, which is neutral and non-polar, at codon 194 of the VHL protein (p.Val194Gly).

Literature cited by the submitters: PubMed 24518179 (cited by 4 submitters).